The following is an entry in ClinVar:

NM_000268.4(NF2):c.1496A>C (p.Asn499Thr)

Gene: NF2 (NF2, moesin-ezrin-radixin like (MERLIN) tumor suppressor; plus strand). Cytogenetic location: 22q12.2.
Variant type: single nucleotide variant.
Coding change: c.1496A>C on transcript NM_000268.4 (MANE Select); coding-DNA position 1496, A replaced by C.
Protein change: p.Asn499Thr; replaces asparagine 499 with threonine.
Molecular consequence: missense variant. On other transcripts: non-coding transcript variant (1), intron variant (1).
Genome position (GRCh38, 1-based): chr22:29,678,245, A>C. VCF-style: chr22-29678245-A-C. GRCh37 (hg19) VCF-style: chr22-30074234-A-C.
Other names: c.1496A>C, p.Asn499Thr (NM_016418.5, NM_181825.3, NM_181832.3); c.1370A>C, p.Asn457Thr (NM_181828.3); c.1373A>C, p.Asn458Thr (NM_181829.3); c.1247A>C, p.Asn416Thr (NM_181830.3, NM_181831.3); c.448-16507A>C (NM_181833.3); short protein forms N416T, N458T, N457T, N499T.
Identifiers: ClinVar variation 1499393 (VCV001499393.8), dbSNP rs2147108268, ClinGen allele CA411149640.

ClinVar aggregate classification (germline): Uncertain significance (1 of 4 stars; one submission).

Conditions:
Neurofibromatosis, type 2 (SWNV). Also called: BILATERAL ACOUSTIC NEUROFIBROMATOSIS; SCHWANNOMATOSIS, VESTIBULAR; NF2-Related Schwannomatosis. Identifiers: Orphanet 637, MedGen C0027832, MONDO:0007039, OMIM 101000. Disease mechanism: loss of function.

Submission:

Labcorp Genetics (formerly Invitae), Labcorp
Classification: Uncertain significance for Neurofibromatosis, type 2. Last evaluated: 2022-02-10. Review status: criteria provided, single submitter. Criteria: Invitae Variant Classification Sherloc (09022015). Collection method: clinical testing. Allele origin: germline.
Comment: This variant has not been reported in the literature in individuals affected with NF2-related conditions. This sequence change replaces asparagine, which is neutral and polar, with threonine, which is neutral and polar, at codon 499 of the NF2 protein (p.Asn499Thr). This variant is not present in population databases (gnomAD no frequency). Algorithms developed to predict the effect of missense changes on protein structure and function (SIFT, PolyPhen-2, Align-GVGD) all suggest that this variant is likely to be tolerated. In summary, the available evidence is currently insufficient to determine the role of this variant in disease. Therefore, it has been classified as a Variant of Uncertain Significance.